The following is an entry in ClinVar:

NM_000026.4(ADSL):c.1315C>T (p.Gln439Ter)

Gene: ADSL (adenylosuccinate lyase; plus strand). Cytogenetic location: 22q13.1.
Variant type: single nucleotide variant.
Coding change: c.1315C>T on transcript NM_000026.4 (MANE Select); coding-DNA position 1315, C replaced by T.
Protein change: p.Gln439Ter; replaces glutamine 439 with a stop codon.
Molecular consequence: nonsense. On other transcripts: non-coding transcript variant (1), intron variant (2).
Genome position (GRCh38, 1-based): chr22:40,365,003, C>T. VCF-style: chr22-40365003-C-T. GRCh37 (hg19) VCF-style: chr22-40761007-C-T.
Other names: c.1315C>T (NM_000026.3); c.1123C>T, p.Gln375Ter (NM_001317923.2); c.1315C>T, p.Gln439Ter (NM_001363840.3, NM_001410812.1); c.1270C>T, p.Gln424Ter (NM_001410814.1); c.1191+638C>T (NM_001123378.3, NM_001410816.1); short protein forms Q439*, Q375*, Q424*.
Identifiers: ClinVar variation 2725588 (VCV002725588.4), dbSNP rs2044946255, ClinGen allele CA411648394.

ClinVar aggregate classification (germline): Pathogenic/Likely pathogenic. Review status: criteria provided, multiple submitters, no conflicts (2 of 4 stars). 2 submissions from 2 submitters: Pathogenic (1); Likely pathogenic (1). Last evaluated 2023-12-20.

Conditions:
Adenylosuccinate lyase deficiency (ADSLD). Also called: ADSL DEFICIENCY. Identifiers: Orphanet 46, MedGen C0268126, MONDO:0007068, OMIM 103050.

Allele frequency attached by ClinVar (database versions not stated): gnomAD exomes below 0.00001.
gnomAD v4.1: 3 of 1,613,982 alleles (0.00019%); highest among the groups gnomAD compares: Non-Finnish European, 0.00025%; no homozygotes.

Submissions (2):

Victorian Clinical Genetics Services, Murdoch Childrens Research Institute
Classification: Likely pathogenic for Adenylosuccinate lyase deficiency. Last evaluated: 2023-12-20. Review status: criteria provided, single submitter. Criteria: ACMG Guidelines, 2015. Collection method: clinical testing. Allele origin: germline. Inheritance: Autosomal recessive inheritance. Affected: yes.
Comment: Based on the classification scheme VCGS_Germline_v1.3.4, this variant is classified as Likely Pathogenic. Following criteria are met: 0102 - Loss of function is a known mechanism of disease in this gene and is associated with adenylosuccinase deficiency, (MIM#103050). (I) 0106 - This gene is associated with autosomal recessive disease. (I) 0205 - Variant is predicted to result in a truncated protein (premature termination codon is NOT located at least 54 nucleotides upstream of the final exon-exon junction) with less than 1/3 of the protein sequence affected. (SP) 0251 - This variant is heterozygous. (I) 0304 - Variant is present in gnomAD (v3) <0.01 for a recessive condition (1 heterozygote, 0 homozygotes). (SP) 0601 - Variant results in the truncation of part of the well-established functional ADSL_C domain. Multiple missense variants and two small inframe deletions within this truncated region have been reported in affected individuals. At least two of these variants have functional evidence supporting the importance of this region in protein function (DECIPHER, PMID: 28487569, PMID: 20127976, PMID: 22180458, PMID: 24781210, PMID: 12368987, PMID: 33648541). (SP) 0710 - Other protein truncating variants comparable to the one identified in this case have inconclusive previous evidence for pathogenicity. These variants have been reported twice as VUSs with no clinical information (ClinVar). (I) 0807 - This variant has no previous evidence of pathogenicity. (I) 0905 - No published segregation evidence has been identified for this variant. (I) 1007 - No published functional evidence has been identified for this variant. (I) 1101 - Very strong and specific phenotype match for this individual. (SP) 1201 - Heterozygous variant detected in trans with a second likely pathogenic heterozygous variant (p.(Arg190Gly)) in a recessive disease. (I) Legend: (SP) - Supporting pathogenic, (I) - Information, (SB) - Supporting benign

Labcorp Genetics (formerly Invitae), Labcorp
Classification: Pathogenic for Adenylosuccinate lyase deficiency. Last evaluated: 2023-06-23. Review status: criteria provided, single submitter. Criteria: Invitae Variant Classification Sherloc (09022015). Collection method: clinical testing. Allele origin: germline.
Comment: This variant has not been reported in the literature in individuals affected with ADSL-related conditions. This variant is not present in population databases (gnomAD no frequency). This sequence change creates a premature translational stop signal (p.Gln439*) in the ADSL gene. It is expected to result in an absent or disrupted protein product. Loss-of-function variants in ADSL are known to be pathogenic (PMID: 10888601, 20177786). For these reasons, this variant has been classified as Pathogenic.

Literature cited by the submitters: PubMed 12368987 (cited by Victorian Clinical Genetics Services, Murdoch Childrens Research Institute); PubMed 20127976 (cited by Victorian Clinical Genetics Services, Murdoch Childrens Research Institute); PubMed 22180458 (cited by Victorian Clinical Genetics Services, Murdoch Childrens Research Institute); PubMed 24781210 (cited by Victorian Clinical Genetics Services, Murdoch Childrens Research Institute); PubMed 28487569 (cited by Victorian Clinical Genetics Services, Murdoch Childrens Research Institute); PubMed 33648541 (cited by Victorian Clinical Genetics Services, Murdoch Childrens Research Institute); PubMed 10888601 (cited by Labcorp Genetics (formerly Invitae), Labcorp); PubMed 20177786 (cited by Labcorp Genetics (formerly Invitae), Labcorp).